The following is an entry in ClinVar:

NM_001122681.2(SH3BP2):c.*2951C>G

Gene: SH3BP2 (SH3 domain binding protein 2; plus strand). Cytogenetic location: 4p16.3.
Variant type: single nucleotide variant.
Coding change: c.*2951C>G on transcript NM_001122681.2 (MANE Select); 2951 bases downstream of the stop codon, C replaced by G.
Molecular consequence: 3 prime UTR variant.
Genome position (GRCh38, 1-based): chr4:2,836,785, C>G. VCF-style: chr4-2836785-C-G. GRCh37 (hg19) VCF-style: chr4-2838512-C-G.
Other names: c.*2951C>G (LRG_1334t1, LRG_1334t2, NM_001145855.2 and 2 more transcripts).
Identifiers: ClinVar variation 348645 (VCV000348645.5), dbSNP rs185045655, ClinGen allele CA10618643.
Genomic context (GRCh38, chr4:2,836,785, plus strand): 5'-AAACTGCCCCGCCTCACCCTGCGTTGCCCTCTGGGTCTGTGAGGGTGGGCTGGCAGGAGG[C>G]CTAGGCCTTGCCCTAGGGGCAGTCCTGCTTCCTCATTTTATAGATAGGGAAACTGAGGCT-3'

ClinVar aggregate classification (germline): Benign (1 of 4 stars; one submission).

Conditions:
Fibrous dysplasia of jaw (CRBM). Also called: Cherubism. Identifiers: Orphanet 184, MedGen C0008029, MONDO:0007315, OMIM 118400.

Allele frequency attached by ClinVar (database versions not stated): gnomAD 0.00293 and 0.00222; 1000 Genomes Project 30x 0.00484; 1000 Genomes Project 0.00519; TOPMed 0.00262.

Submission:

Illumina Laboratory Services, Illumina
Classification: Benign for Fibrous dysplasia of jaw. Last evaluated: 2018-01-13. Review status: criteria provided, single submitter. Criteria: ICSL Variant Classification Criteria 13 December 2019. Collection method: clinical testing. Allele origin: germline.
Comment: This variant was observed in the ICSL laboratory as part of a predisposition screen in an ostensibly healthy population. It had not been previously curated by ICSL or reported in the Human Gene Mutation Database (HGMD: prior to June 1st, 2018), and was therefore a candidate for classification through an automated scoring system. Utilizing variant allele frequency, disease prevalence and penetrance estimates, and inheritance mode, an automated score was calculated to assess if this variant is too frequent to cause the disease. Based on the score and internal cut-off values, a variant classified as benign is not then subjected to further curation. The score for this variant resulted in a classification of benign for this disease.